The following is an entry in ClinVar:

ClinVar aggregate classification (germline): Uncertain significance (1 of 4 stars; one submission).

gnomAD v4.1: 3 of 1,594,298 alleles (0.00019%); highest among the groups gnomAD compares: Non-Finnish European, 0.000085%; no homozygotes.

Submission:

Labcorp Genetics (formerly Invitae), Labcorp
Classification: Uncertain significance. Last evaluated: 2025-01-23. Review status: criteria provided, single submitter. Criteria: Invitae Variant Classification Sherloc (09022015). Collection method: clinical testing. Allele origin: germline.
Comment: This sequence change replaces serine, which is neutral and polar, with phenylalanine, which is neutral and non-polar, at codon 135 of the NAF1 protein (p.Ser135Phe). This variant is not present in population databases (gnomAD no frequency). This variant has not been reported in the literature in individuals affected with NAF1-related conditions. An algorithm developed to predict the effect of missense changes on protein structure and function (PolyPhen-2) suggests that this variant is likely to be disruptive. In summary, the available evidence is currently insufficient to determine the role of this variant in disease. Therefore, it has been classified as a Variant of Uncertain Significance.

NM_138386.3(NAF1):c.404C>T (p.Ser135Phe)

Gene: NAF1 (nuclear assembly factor 1 ribonucleoprotein; minus strand). Cytogenetic location: 4q32.2.
Variant type: single nucleotide variant.
Coding change: c.404C>T on transcript NM_138386.3 (MANE Select); coding-DNA position 404, C replaced by T.
Protein change: p.Ser135Phe; replaces serine 135 with phenylalanine.
Molecular consequence: missense variant.
Genome position (GRCh38, 1-based): chr4:163,164,353, G>A on the plus strand (C>T on the coding strand, the complement: NAF1 is on the minus strand). VCF-style: chr4-163164353-G-A. GRCh37 (hg19) VCF-style: chr4-164085505-G-A.
Other names: c.404C>T, p.Ser135Phe (NM_001128931.2); short protein forms S135F.
Identifiers: ClinVar variation 3693123 (VCV003693123.2).
Genomic context (GRCh38, chr4:163,164,353, plus strand): 5'-TCTGACAGCACTGGAGGAAGTGATATACAAGAGGAAGAAGACGACGATGAGGAAGATGAA[G>A]AGGAAGACGATGAACTTGAACTATCTGAATCTGTTTCACTGTAGGGAAGAAAACAGTTAA-3'
Protein context (NP_612395.2, residues 125-145): DSDSSSSSSS[Ser135Phe]SSSSSSSSSS